The following is an entry in ClinVar:

ClinVar aggregate classification (germline): Pathogenic/Likely pathogenic. Review status: criteria provided, multiple submitters, no conflicts (2 of 4 stars). 3 submissions from 3 submitters: Pathogenic (2); Likely pathogenic (1). Last evaluated 2025-05-07.

Conditions:
Hereditary cancer-predisposing syndrome. Also called: Hereditary neoplastic syndrome; Neoplastic Syndromes, Hereditary; Tumor predisposition; Hereditary Cancer Syndrome. Identifiers: Orphanet 140162, MedGen C0027672, MeSH D009386, MONDO:0015356.
Cardiovascular phenotype. Identifiers: MedGen CN230736.
Neurofibromatosis, type 1 (NF1). Also called: Neurofibromatosis, type I; VON RECKLINGHAUSEN DISEASE; NEUROFIBROMATOSIS, TYPE I, SOMATIC; Peripheral type neurofibromatosis. Identifiers: Orphanet 636, MedGen C0027831, MONDO:0018975, OMIM 162200. Disease mechanism: loss of function.

Submissions (3):

Labcorp Genetics (formerly Invitae), Labcorp
Classification: Pathogenic for Neurofibromatosis, type 1. Last evaluated: 2025-05-07. Review status: criteria provided, single submitter. Criteria: Invitae Variant Classification Sherloc (09022015). Collection method: clinical testing. Allele origin: germline.
Comment: This sequence change affects an acceptor splice site in intron 9 of the NF1 gene. It is expected to disrupt RNA splicing. Variants that disrupt the donor or acceptor splice site typically lead to a loss of protein function (PMID: 16199547), and loss-of-function variants in NF1 are known to be pathogenic (PMID: 10712197, 23913538). This variant is not present in population databases (gnomAD no frequency). Disruption of this splice site has been observed in individual(s) with neurofibromatosis type 1 (PMID: 14722917). ClinVar contains an entry for this variant (Variation ID: 1218848). Algorithms developed to predict the effect of sequence changes on RNA splicing suggest that this variant may disrupt the consensus splice site. For these reasons, this variant has been classified as Pathogenic.

GeneDx
Classification: Pathogenic. Last evaluated: 2021-06-21. Review status: criteria provided, single submitter. Criteria: GeneDx Variant Classification Process June 2021. Collection method: clinical testing. Allele origin: germline. Affected: yes.
Comment: Canonical splice site variant predicted to result in an in-frame deletion of exon 10; Deletions involving coding exons of this gene are a known mechanism of disease (Stenson et al., 2014); Not observed in large population cohorts (Lek et al., 2016); Has not been previously published as pathogenic or benign to our knowledge; This variant is associated with the following publications: (PMID: 24077912, 27535533)

Ambry Genetics
Classification: Likely pathogenic for Cardiovascular phenotype; Hereditary cancer-predisposing syndrome. Last evaluated: 2017-10-11. Review status: criteria provided, single submitter. Criteria: Ambry Variant Classification Scheme 2023. Collection method: clinical testing. Allele origin: germline.
Comment: The c.1063-1G>A intronic variant results from a G to A substitution one nucleotide upstream from coding exon 10 of the NF1 gene. A different alteration at this position, c.1063-1G>T was reported in one individual from a cohort of 374 individuals with a clinical diagnosis or suspicion of neurofibromatosis type 1 (Pros E et al. Hum. Mutat., 2008 Sep;29:E173-93). This nucleotide position is highly conserved in available vertebrate species. Using the BDGP and ESEfinder splice site prediction tools, c.1063-1G>A is predicted to abolish the native splice acceptor site; however, direct evidence is unavailable. Alterations that disrupt the canonical splice site are expected to cause aberrant splicing, resulting in an abnormal protein or a transcript that is subject to nonsense-mediated mRNA decay. As such, this alteration is classified as likely pathogenic.

Literature cited by the submitters: PubMed 16199547 (cited by Labcorp Genetics (formerly Invitae), Labcorp); PubMed 10712197 (cited by Labcorp Genetics (formerly Invitae), Labcorp); PubMed 23913538 (cited by Labcorp Genetics (formerly Invitae), Labcorp); PubMed 14722917 (cited by Labcorp Genetics (formerly Invitae), Labcorp).

NM_001042492.3(NF1):c.1063-1G>A

Gene: NF1 (neurofibromin 1; plus strand). Cytogenetic location: 17q11.2.
Variant type: single nucleotide variant.
Coding change: c.1063-1G>A on transcript NM_001042492.3 (MANE Select); the canonical splice acceptor site of the intron before coding-DNA position 1063, G replaced by A.
Molecular consequence: splice acceptor variant.
Genome position (GRCh38, 1-based): chr17:31,201,036, G>A. VCF-style: chr17-31201036-G-A. GRCh37 (hg19) VCF-style: chr17-29528054-G-A.
Other names: c.1063-1G>A (NM_001128147.3, NM_000267.4).
Identifiers: ClinVar variation 1218848 (VCV001218848.7), dbSNP rs1555610955, ClinGen allele CA398996649.